The following is an entry in ClinVar:

NM_004656.4(BAP1):c.1152C>G (p.Ser384Arg)

Gene: BAP1 (BRCA1 associated deubiquitinase 1; minus strand). Cytogenetic location: 3p21.1.
Variant type: single nucleotide variant.
Coding change: c.1152C>G on transcript NM_004656.4 (MANE Select); coding-DNA position 1152, C replaced by G.
Protein change: p.Ser384Arg; replaces serine 384 with arginine.
Molecular consequence: missense variant.
Genome position (GRCh38, 1-based): chr3:52,404,551, G>C on the plus strand (C>G on the coding strand, the complement: BAP1 is on the minus strand). VCF-style: chr3-52404551-G-C. GRCh37 (hg19) VCF-style: chr3-52438567-G-C.
Other names: short protein forms S384R.
Identifiers: ClinVar variation 923251 (VCV000923251.16), dbSNP rs752864098, ClinGen allele CA2436888.

ClinVar aggregate classification (germline): Conflicting classifications of pathogenicity. Review status: criteria provided, conflicting classifications (1 of 4 stars). 4 submissions from 4 submitters: Uncertain significance (3); Benign (1). Last evaluated 2025-11-05.

Conditions:
BAP1-related tumor predisposition syndrome (TPDS1). Also called: Tumor susceptibility linked to germline BAP1 mutations; COMMON Syndrome; TUMOR PREDISPOSITION SYNDROME 1; BAP1 tumor predisposition syndrome. Identifiers: Orphanet 289539, MedGen C3280492, MONDO:0013692, OMIM 614327.
Hereditary cancer-predisposing syndrome. Also called: Neoplastic Syndromes, Hereditary; Tumor predisposition; Hereditary Cancer Syndrome; Hereditary neoplastic syndrome. Identifiers: Orphanet 140162, MedGen C0027672, MeSH D009386, MONDO:0015356.

Allele frequency attached by ClinVar (database versions not stated): gnomAD exomes below 0.00001 and 0.00001; TOPMed below 0.00001; gnomAD 0.00001.
gnomAD v4.1: 19 of 1,613,672 alleles (0.0012%); highest among the groups gnomAD compares: Non-Finnish European, 0.0016%; no homozygotes.

Submissions (4):

Labcorp Genetics (formerly Invitae), Labcorp
Classification: Uncertain significance for BAP1-related tumor predisposition syndrome. Last evaluated: 2025-11-05. Review status: criteria provided, single submitter. Criteria: Invitae Variant Classification Sherloc (09022015). Collection method: clinical testing. Allele origin: germline.
Comment: This sequence change replaces serine, which is neutral and polar, with arginine, which is basic and polar, at codon 384 of the BAP1 protein (p.Ser384Arg). This variant is present in population databases (rs752864098, gnomAD 0.0009%). This variant has not been reported in the literature in individuals affected with BAP1-related conditions. ClinVar contains an entry for this variant (Variation ID: 923251). Invitae Evidence Modeling of protein sequence and biophysical properties (such as structural, functional, and spatial information, amino acid conservation, physicochemical variation, residue mobility, and thermodynamic stability) indicates that this missense variant is not expected to disrupt BAP1 protein function with a negative predictive value of 80%. In summary, the available evidence is currently insufficient to determine the role of this variant in disease. Therefore, it has been classified as a Variant of Uncertain Significance.

Ambry Genetics
Classification: Benign for Hereditary cancer-predisposing syndrome. Last evaluated: 2025-10-29. Review status: criteria provided, single submitter. Criteria: Ambry Variant Classification Scheme 2023. Collection method: clinical testing. Allele origin: germline.

GeneDx
Classification: Uncertain significance. Last evaluated: 2024-03-15. Review status: criteria provided, single submitter. Criteria: GeneDx Variant Classification Process June 2021. Collection method: clinical testing. Allele origin: germline. Affected: yes.
Comment: Not observed at significant frequency in large population cohorts (gnomAD); In silico analysis supports that this missense variant does not alter protein structure/function; Has not been previously published as pathogenic or benign to our knowledge

Color Diagnostics, LLC DBA Color Health
Classification: Uncertain significance for Hereditary cancer-predisposing syndrome. Last evaluated: 2023-12-05. Review status: criteria provided, single submitter. Criteria: ACMG Guidelines, 2015. Collection method: clinical testing. Allele origin: germline.
Comment: This missense variant replaces serine with arginine at codon 384 of the BAP1 protein. Computational prediction suggests that this variant may not impact protein structure and function (internally defined REVEL score threshold <= 0.5, PMID: 27666373). To our knowledge, functional studies have not been reported for this variant. This variant has not been reported in individuals affected with BAP1-related disorders in the literature. This variant has been identified in 1/246728 chromosomes in the general population by the Genome Aggregation Database (gnomAD). The available evidence is insufficient to determine the role of this variant in disease conclusively. Therefore, this variant is classified as a Variant of Uncertain Significance.

Literature cited by the submitters: PubMed 38969833 (cited by Ambry Genetics).